The following is an entry in ClinVar:

ClinVar aggregate classification (germline): Likely pathogenic (1 of 4 stars; one submission).

Conditions:
Peroxisome biogenesis disorder 12A (Zellweger). Also called: Peroxisome biogenesis disorder 12A. Identifiers: Orphanet 912, MedGen C3554002, MONDO:0013951, OMIM 614886.

Submission:

Juno Genomics, Hangzhou Juno Genomics, Inc
Classification: Likely pathogenic for Peroxisome biogenesis disorder 12A (Zellweger). Review status: criteria provided, single submitter. Criteria: ACMG Guidelines, 2015. Collection method: clinical testing. Allele origin: germline.
Comment: Null variant in a gene where loss of function (LOF) is a known mechanism of disease.;Absent from controls (or at extremely low frequency if recessive) in Genome Aggregation Database.

NM_002857.4(PEX19):c.510del (p.Asn170fs)

Gene: PEX19 (peroxisomal biogenesis factor 19; minus strand). Cytogenetic location: 1q23.2.
Variant type: Deletion.
Coding change: c.510del on transcript NM_002857.4 (MANE Select); coding-DNA position 510, one base deleted (C; older notation c.510delC).
Protein change: p.Asn170fs; shifts the reading frame from asparagine 170.
Molecular consequence: frameshift variant. On other transcripts: non-coding transcript variant (2).
Genome position (GRCh38, 1-based): chr1:160,282,123, G deleted on the plus strand (C on the coding strand, the reverse complement: PEX19 is on the minus strand). VCF-style (leftmost placement, unchanged base first): chr1-160282122-TG-T. GRCh37 (hg19) VCF-style: chr1-160251912-TG-T.
Other names: c.510del, p.Asn170fs (NM_001193644.1); short protein forms N170fs.
Identifiers: ClinVar variation 5005059 (VCV005005059.2).
Genomic context (GRCh38, chr1:160,282,122, plus strand): 5'-ATGGGTACAGCACATCCTTGGAGAGTAGGTTCTGCATAATACTCTGCATGATGGGGAGGA[TG>T]TTCCCTTCCCCATCCCCTTCGTCCATGCCTAGCCCCTCCATGGCCTTGGTCAGCTCTTCT-3'